The following is an entry in ClinVar:

ClinVar aggregate classification (germline): Uncertain significance (1 of 4 stars; one submission).

Conditions:
Long QT syndrome (LQTS). Identifiers: MedGen C0023976, MeSH D008133, MONDO:0002442. Disease mechanism: loss of function. Inheritance: Various modes of inheritance.

Submission:

Labcorp Genetics (formerly Invitae), Labcorp
Classification: Uncertain significance for Long QT syndrome. Last evaluated: 2023-08-28. Review status: criteria provided, single submitter. Criteria: Invitae Variant Classification Sherloc (09022015). Collection method: clinical testing. Allele origin: germline.
Comment: In summary, the available evidence is currently insufficient to determine the role of this variant in disease. Therefore, it has been classified as a Variant of Uncertain Significance. Algorithms developed to predict the effect of missense changes on protein structure and function output the following: SIFT: "Not Available"; PolyPhen-2: "Benign"; Align-GVGD: "Not Available". The aspartic acid amino acid residue is found in multiple mammalian species, which suggests that this missense change does not adversely affect protein function. ClinVar contains an entry for this variant (Variation ID: 965017). This variant has not been reported in the literature in individuals affected with AKAP9-related conditions. This variant is not present in population databases (gnomAD no frequency). This sequence change replaces glutamic acid, which is acidic and polar, with aspartic acid, which is acidic and polar, at codon 1342 of the AKAP9 protein (p.Glu1342Asp).

NM_005751.5(AKAP9):c.4026A>T (p.Glu1342Asp)

Gene: AKAP9 (A-kinase anchoring protein 9; plus strand). Cytogenetic location: 7q21.2.
Variant type: single nucleotide variant.
Coding change: c.4026A>T on transcript NM_005751.5 (MANE Select); coding-DNA position 4026, A replaced by T.
Protein change: p.Glu1342Asp; replaces glutamic acid 1342 with aspartic acid.
Molecular consequence: missense variant.
Genome position (GRCh38, 1-based): chr7:92,022,887, A>T. VCF-style: chr7-92022887-A-T. GRCh37 (hg19) VCF-style: chr7-91652201-A-T.
Other names: c.4026A>T, p.Glu1342Asp (NM_147185.3); short protein forms E1342D.
Identifiers: ClinVar variation 965017 (VCV000965017.9), dbSNP rs1802529842, ClinGen allele CA368127808.